The following is an entry in ClinVar:

NM_016006.6(ABHD5):c.774-2A>G

Gene: ABHD5 (abhydrolase domain containing 5, lysophosphatidic acid acyltransferase; plus strand). Cytogenetic location: 3p21.33.
Variant type: single nucleotide variant.
Coding change: c.774-2A>G on transcript NM_016006.6 (MANE Select); the canonical splice acceptor site of the intron before coding-DNA position 774, A replaced by G.
Molecular consequence: splice acceptor variant. On other transcripts: intron variant (1).
Genome position (GRCh38, 1-based): chr3:43,717,669, A>G. VCF-style: chr3-43717669-A-G. GRCh37 (hg19) VCF-style: chr3-43759161-A-G.
Other names: c.774-774A>G (NM_001365650.1); c.774-2A>G (NM_001355186.2); c.651-2A>G (NM_001365649.1).
Identifiers: ClinVar variation 4732998 (VCV004732998.1).

ClinVar aggregate classification (germline): Likely pathogenic (1 of 4 stars; one submission).

Submission:

Labcorp Genetics (formerly Invitae), Labcorp
Classification: Likely pathogenic. Last evaluated: 2025-12-12. Review status: criteria provided, single submitter. Criteria: Invitae Variant Classification Sherloc (09022015). Collection method: clinical testing. Allele origin: germline.
Comment: This sequence change affects an acceptor splice site in intron 5 of the ABHD5 gene. It is expected to disrupt RNA splicing. Variants that disrupt the donor or acceptor splice site typically lead to a loss of protein function (PMID: 16199547), and loss-of-function variants in ABHD5 are known to be pathogenic (PMID: 11590543). This variant is not present in population databases (gnomAD no frequency). This variant has not been reported in the literature in individuals affected with ABHD5-related conditions. Algorithms developed to predict the effect of sequence changes on RNA splicing suggest that this variant may disrupt the consensus splice site. In summary, the currently available evidence indicates that the variant is pathogenic, but additional data are needed to prove that conclusively. Therefore, this variant has been classified as Likely Pathogenic.

Literature cited by the submitters: PubMed 16199547; PubMed 11590543.